The following is an entry in ClinVar:

ClinVar aggregate classification (germline): Uncertain significance. Review status: criteria provided, multiple submitters, no conflicts (2 of 4 stars). 6 submissions from 6 submitters: Uncertain significance (6). Last evaluated 2025-07-02.

Conditions:
Juvenile polyposis syndrome (JPS). Identifiers: Orphanet 2929, MedGen C0345893, MONDO:0017380, OMIM 174900.
Hereditary cancer-predisposing syndrome. Also called: Tumor predisposition; Hereditary Cancer Syndrome; Neoplastic Syndromes, Hereditary; Hereditary neoplastic syndrome. Identifiers: Orphanet 140162, MedGen C0027672, MeSH D009386, MONDO:0015356.

Submissions (6):

Ambry Genetics
Classification: Uncertain significance for Hereditary cancer-predisposing syndrome. Last evaluated: 2025-07-02. Review status: criteria provided, single submitter. Criteria: Ambry Variant Classification Scheme 2023. Collection method: clinical testing. Allele origin: germline.
Comment: The p.N392S variant (also known as c.1175A>G), located in coding exon 9 of the BMPR1A gene, results from an A to G substitution at nucleotide position 1175. The asparagine at codon 392 is replaced by serine, an amino acid with highly similar properties. This amino acid position is well conserved in available vertebrate species. In addition, this alteration is predicted to be tolerated by in silico analysis. Based on the available evidence, the clinical significance of this variant remains unclear.

Labcorp Genetics (formerly Invitae), Labcorp
Classification: Uncertain significance for Juvenile polyposis syndrome. Last evaluated: 2024-05-21. Review status: criteria provided, single submitter. Criteria: Invitae Variant Classification Sherloc (09022015). Collection method: clinical testing. Allele origin: germline.
Comment: This sequence change replaces asparagine, which is neutral and polar, with serine, which is neutral and polar, at codon 392 of the BMPR1A protein (p.Asn392Ser). This variant is not present in population databases (gnomAD no frequency). This variant has not been reported in the literature in individuals affected with BMPR1A-related conditions. ClinVar contains an entry for this variant (Variation ID: 449870). Advanced modeling of protein sequence and biophysical properties (such as structural, functional, and spatial information, amino acid conservation, physicochemical variation, residue mobility, and thermodynamic stability) performed at Invitae indicates that this missense variant is not expected to disrupt BMPR1A protein function with a negative predictive value of 80%. In summary, the available evidence is currently insufficient to determine the role of this variant in disease. Therefore, it has been classified as a Variant of Uncertain Significance.

All of Us Research Program, National Institutes of Health
Classification: Uncertain significance for Juvenile polyposis syndrome. Last evaluated: 2024-05-14. Review status: criteria provided, single submitter. Criteria: ACMG Guidelines, 2015. Collection method: clinical testing. Allele origin: germline. Inheritance: Autosomal dominant inheritance. Observed: 1 variant allele, 1 heterozygote.
Comment: This missense variant replaces asparagine with serine at codon 392 of the BMPR1A protein. Computational prediction suggests that this variant may not impact protein structure and function (internally defined REVEL score threshold <= 0.5, PMID: 27666373). To our knowledge, functional studies have not been reported for this variant. This variant has not been reported in individuals affected with BMPR1A-related disorders in the literature. This variant has not been identified in the general population by the Genome Aggregation Database (gnomAD). The available evidence is insufficient to determine the role of this variant in disease conclusively. Therefore, this variant is classified as a Variant of Uncertain Significance.

This study involves interpretation of variants in research participants for the purpose of population health screening. Participant phenotype was not available at the time of variant classification. Additional details can be found in publication PMID: 35346344, PMCID: PMC8962531

Color Diagnostics, LLC DBA Color Health
Classification: Uncertain significance for Hereditary cancer-predisposing syndrome. Last evaluated: 2024-05-01. Review status: criteria provided, single submitter. Criteria: ACMG Guidelines, 2015. Collection method: clinical testing. Allele origin: germline.
Comment: This missense variant replaces asparagine with serine at codon 392 of the BMPR1A protein. Computational prediction suggests that this variant may not impact protein structure and function (internally defined REVEL score threshold <= 0.5, PMID: 27666373). To our knowledge, functional studies have not been reported for this variant. This variant has not been reported in individuals affected with BMPR1A-related disorders in the literature. This variant has not been identified in the general population by the Genome Aggregation Database (gnomAD). The available evidence is insufficient to determine the role of this variant in disease conclusively. Therefore, this variant is classified as a Variant of Uncertain Significance.

Sema4
Classification: Uncertain significance for Hereditary cancer-predisposing syndrome. Last evaluated: 2022-01-13. Review status: criteria provided, single submitter. Criteria: Sema4 Curation Guidelines. Collection method: curation. Allele origin: germline.
Comment: To the best of our knowledge, the BMPR1A c.1175A>G (p.N392S) variant has not been reported in individuals with BMPR1A-related disease. It was not observed in the large and broad cohorts of the Genome Aggregation Database (PMID: 32461654). This variant has been reported in ClinVar (Variation ID: 449870). Functional studies have not been performed, and in silico predictions of the variant's effect on protein function are inconclusive. The evidence is insufficient to meet ACMG/AMP criteria for classifying the variant as benign or pathogenic. Thus, the clinical significance of this variant is currently uncertain.

GeneDx
Classification: Uncertain significance. Last evaluated: 2017-03-07. Review status: criteria provided, single submitter. Criteria: GeneDx Variant Classification (06012015). Collection method: clinical testing. Allele origin: germline. Affected: yes.
Comment: This variant is denoted BMPR1A c.1175A>G at the cDNA level, p.Asn392Ser (N392S) at the protein level, and results in the change of an Asparagine to a Serine (AAT>AGT). This variant has not, to our knowledge, been published in the literature as a germline variant; however, it has been reported as a somatic variant in small cell lung cancer (Rudin 2012). BMPR1A Asn392Ser was not observed in large population cohorts (Lek 2016, The 1000 Genomes Consortium 2015, NHLBI Exome Sequencing Project). Since Asparagine and Serine share similar properties, this is considered a conservative amino acid substitution. BMPR1A Asn392Ser occurs at a position where amino acids with properties similar to Asparagine are tolerated across species and is located within the protein kinase domain (Howe 2004). In silico analyses predict that this variant is probably damaging to protein structure and function. Based on currently available evidence, it is unclear whether BMPR1A Asn392Ser is a pathogenic or benign variant. We consider it to be a variant of uncertain significance.

NM_004329.3(BMPR1A):c.1175A>G (p.Asn392Ser)

Gene: BMPR1A (bone morphogenetic protein receptor type 1A; plus strand). Cytogenetic location: 10q23.2.
Variant type: single nucleotide variant.
Coding change: c.1175A>G on transcript NM_004329.3 (MANE Select); coding-DNA position 1175, A replaced by G.
Protein change: p.Asn392Ser; replaces asparagine 392 with serine.
Molecular consequence: missense variant.
Genome position (GRCh38, 1-based): chr10:86,921,528, A>G. VCF-style: chr10-86921528-A-G. GRCh37 (hg19) VCF-style: chr10-88681285-A-G.
Other names: short protein forms N392S.
Identifiers: ClinVar variation 449870 (VCV000449870.16), dbSNP rs1554891311, ClinGen allele CA377461833.